The following is an entry in ClinVar:

NM_001385641.1(SAMD11):c.1621C>G (p.Pro541Ala)

Gene: SAMD11 (sterile alpha motif domain containing 11; plus strand). Cytogenetic location: 1p36.33.
Variant type: single nucleotide variant.
Coding change: c.1621C>G on transcript NM_001385641.1 (MANE Select); coding-DNA position 1621, C replaced by G.
Protein change: p.Pro541Ala; replaces proline 541 with alanine.
Molecular consequence: missense variant.
Genome position (GRCh38, 1-based): chr1:942,626, C>G. VCF-style: chr1-942626-C-G. GRCh37 (hg19) VCF-style: chr1-878006-C-G.
Other names: c.1624C>G, p.Pro542Ala (NM_001385640.1); c.1132C>G, p.Pro378Ala (NM_152486.4); short protein forms P378A, P541A, P542A.
Identifiers: ClinVar variation 1903672 (VCV001903672.5), dbSNP rs1401992215, ClinGen allele CA337808508.

ClinVar aggregate classification (germline): Uncertain significance (1 of 4 stars; one submission).

Submission:

Labcorp Genetics (formerly Invitae), Labcorp
Classification: Uncertain significance. Last evaluated: 2023-01-26. Review status: criteria provided, single submitter. Criteria: Invitae Variant Classification Sherloc (09022015). Collection method: clinical testing. Allele origin: germline.
Comment: In summary, the available evidence is currently insufficient to determine the role of this variant in disease. Therefore, it has been classified as a Variant of Uncertain Significance. Algorithms developed to predict the effect of missense changes on protein structure and function (SIFT, PolyPhen-2, Align-GVGD) all suggest that this variant is likely to be tolerated. This variant has not been reported in the literature in individuals affected with SAMD11-related conditions. This variant is not present in population databases (gnomAD no frequency). This sequence change replaces proline, which is neutral and non-polar, with alanine, which is neutral and non-polar, at codon 378 of the SAMD11 protein (p.Pro378Ala).